The following is an entry in ClinVar:

ClinVar aggregate classification (germline): Pathogenic/Likely pathogenic. Review status: criteria provided, multiple submitters, no conflicts (2 of 4 stars). 5 submissions from 5 submitters: Pathogenic (3); Likely pathogenic (2). Last evaluated 2023-05-15.

Conditions:
RAF1-related disorder. Also called: RAF1-related disorders; RAF1-related condition.
Dilated cardiomyopathy 1NN. Identifiers: Orphanet 154, MedGen C4014656, MONDO:0014396, OMIM 615916.
LEOPARD syndrome 2 (LPRD2). Also called: RAF1-Related LEOPARD Syndrome. Identifiers: Orphanet 500, MedGen C1969056, MONDO:0012691, OMIM 611554.
Noonan syndrome 5 (NS5). Also called: RAF1-Related Noonan Syndrome. Identifiers: Orphanet 648, MedGen C1969057, MONDO:0012690, OMIM 611553. Disease mechanism: gain of function.
RASopathy. Also called: rasopathies; Noonan spectrum disorder. Identifiers: Orphanet 536391, MedGen C5555857, MONDO:0021060.
Noonan syndrome 3 (NS3). Also called: KRAS-Related Noonan Syndrome. Identifiers: Orphanet 648, MedGen C1860991, MONDO:0012371, OMIM 609942.

Submissions (5):

Blueprint Genetics
Classification: Likely pathogenic for RAF1-related disorders. Last evaluated: 2023-05-15. Review status: criteria provided, single submitter. Criteria: ACMG Guidelines, 2015. Collection method: clinical testing. Allele origin: germline. Affected: yes. Observed: 1 variant allele.

Labcorp Genetics (formerly Invitae), Labcorp
Classification: Pathogenic for RASopathy. Last evaluated: 2022-02-06. Review status: criteria provided, single submitter. Criteria: Invitae Variant Classification Sherloc (09022015). Collection method: clinical testing. Allele origin: germline.
Comment: This sequence change replaces valine, which is neutral and non-polar, with aspartic acid, which is acidic and polar, at codon 263 of the RAF1 protein (p.Val263Asp). This variant is not present in population databases (gnomAD no frequency). This missense change has been observed in individual(s) with clinical features of RAF1-related conditions (PMID: 22821648). In at least one individual the variant was observed to be de novo. ClinVar contains an entry for this variant (Variation ID: 496189). Advanced modeling of protein sequence and biophysical properties (such as structural, functional, and spatial information, amino acid conservation, physicochemical variation, residue mobility, and thermodynamic stability) performed at Invitae indicates that this missense variant is expected to disrupt RAF1 protein function. This variant disrupts the p.Val263 amino acid residue in RAF1. Other variant(s) that disrupt this residue have been determined to be pathogenic (PMID: 17603482, 30157809, 30732632; Invitae). This suggests that this residue is clinically significant, and that variants that disrupt this residue are likely to be disease-causing. For these reasons, this variant has been classified as Pathogenic.

Fulgent Genetics
Classification: Pathogenic for Noonan syndrome 5; LEOPARD syndrome 2; Dilated cardiomyopathy 1NN. Last evaluated: 2018-10-31. Review status: criteria provided, single submitter. Criteria: ACMG Guidelines, 2015. Collection method: clinical testing. Allele origin: unknown.

GeneDx
Classification: Pathogenic. Last evaluated: 2018-08-27. Review status: criteria provided, single submitter. Criteria: GeneDx Variant Classification (06012015). Collection method: clinical testing. Allele origin: germline. Affected: yes.
Comment: The V263D variant in the RAF1 gene has been reported previously as a de novo variant in an individual with Noonan syndrome (Schulz et al., 2012). The V263D variant is not observed in large population cohorts (Lek et al., 2016). The V263D variant is a non-conservative amino acid substitution, which is likely to impact secondary protein structure as these residues differ in polarity, charge, size and/or other properties. In-silico analyses, including protein predictors and evolutionary conservation, support a deleterious effect. Missense variants in the same (V263A) and nearby residues (S259T/P/F, T260I/R, P261S/A/T/L/R/H, N262I/K) have been reported in the Human Gene Mutation Database in association with Noonan spectrum disorders (Stenson et al., 2014), supporting the functional importance of this region of the protein. We interpret V263D as a pathogenic variant.

Women's Health and Genetics/Laboratory Corporation of America, LabCorp
Classification: Likely pathogenic for Noonan syndrome 3. Last evaluated: 2016-02-15. Review status: criteria provided, single submitter. Criteria: LabCorp Variant Classification Summary - May 2015. Collection method: clinical testing. Allele origin: germline.
Comment: Variant summary: RAF1 c.788T>A affects a conserved nucleotide, resulting in amino acid change from Val to Asp. 4/4 in-silico tools used predict this variant to be damaging. This variant was not found in approximately 121404 control chromosomes from the broad and large populations of ExAC. This variant was found as a de novo mutation in a patient with hypoplastic left heart syndrome associated with Noonan Syndrome (Schulz_2012). Additionally, another missense mutation at the same residue p.V263G has been classified as pathogenic/likely pathogenic by three labs in ClinVar. Furthermore, there are multiple variants in this region (such as p.S259F/P/T, p.T260R/I, p.P261A/R/H/S/T, p.N262I/K, etc.), reported in patients with NS, suggesting that the region is mutational hot-spot. At least one reputable database lists the variant as disease-causing. Taken together, this variant has currently been classified as a Probable Disease Variant/Likely Pathogenic.

Literature cited by the submitters: PubMed 22821648 (cited by Labcorp Genetics (formerly Invitae), Labcorp and Women's Health and Genetics/Laboratory Corporation of America, LabCorp); PubMed 17603482 (cited by Labcorp Genetics (formerly Invitae), Labcorp); PubMed 30157809 (cited by Labcorp Genetics (formerly Invitae), Labcorp); PubMed 30732632 (cited by Labcorp Genetics (formerly Invitae), Labcorp).

NM_002880.4(RAF1):c.788T>A (p.Val263Asp)

Gene: RAF1 (Raf-1 proto-oncogene, serine/threonine kinase; minus strand). Cytogenetic location: 3p25.2.
Variant type: single nucleotide variant.
Coding change: c.788T>A on transcript NM_002880.4 (MANE Select); coding-DNA position 788, T replaced by A.
Protein change: p.Val263Asp; replaces valine 263 with aspartic acid.
Molecular consequence: missense variant. On other transcripts: non-coding transcript variant (3).
Genome position (GRCh38, 1-based): chr3:12,604,182, A>T on the plus strand (T>A on the coding strand, the complement: RAF1 is on the minus strand). VCF-style: chr3-12604182-A-T. GRCh37 (hg19) VCF-style: chr3-12645681-A-T.
Other names: c.788T>A, p.Val263Asp (NM_001354689.3, NM_001354690.3); c.545T>A, p.Val182Asp (NM_001354691.3, NM_001354692.3, NM_001354694.3); c.689T>A, p.Val230Asp (NM_001354693.3); c.446T>A, p.Val149Asp (NM_001354695.3); short protein forms V263D, V149D, V230D, V182D.
Identifiers: ClinVar variation 496189 (VCV000496189.7), dbSNP rs397516830, ClinGen allele CA351512308.
Genomic context (GRCh38, chr3:12,604,182, plus strand): 5'-AGGTGCCCTATTACCTCAATCATCCTGCTGTCCACAGGCAGGGTGGTGCTGACCATGTGG[A>T]CATTAGGTGTGGATGTCGACCTCTGCCTCTGGGAGAGGGAACCTTCAGATGAGGGACTGG-3'
Protein context (NP_002871.1, residues 253-273): QRQRSTSTPN[Val263Asp]HMVSTTLPVD